The following is an entry in ClinVar:

NM_001007527.2(LMBRD2):c.1442T>C (p.Phe481Ser)

Gene: LMBRD2 (LMBR1 domain containing 2; minus strand). Cytogenetic location: 5p13.2.
Variant type: single nucleotide variant.
Coding change: c.1442T>C on transcript NM_001007527.2 (MANE Select); coding-DNA position 1442, T replaced by C.
Protein change: p.Phe481Ser; replaces phenylalanine 481 with serine.
Molecular consequence: missense variant.
Genome position (GRCh38, 1-based): chr5:36,115,115, A>G on the plus strand (T>C on the coding strand, the complement: LMBRD2 is on the minus strand). VCF-style: chr5-36115115-A-G. GRCh37 (hg19) VCF-style: chr5-36115217-A-G.
Other names: short protein forms F481S.
Identifiers: ClinVar variation 2671725 (VCV002671725.1), dbSNP rs2532031808, ClinGen allele CA359444552.

ClinVar aggregate classification (germline): Uncertain significance (1 of 4 stars; one submission).

Conditions:
Developmental delay with variable neurologic and brain abnormalities (MLHNS). Also called: MALHOTRA NEURODEVELOPMENTAL SYNDROME. Identifiers: MedGen C5562060, MONDO:0859218, OMIM 619694.

Submission:

Neuberg Centre For Genomic Medicine, NCGM
Classification: Uncertain significance for Developmental delay with variable neurologic and brain abnormalities. Last evaluated: 2023-02-14. Review status: criteria provided, single submitter. Criteria: ACMG Guidelines, 2015. Collection method: clinical testing. Allele origin: germline. Inheritance: Autosomal dominant inheritance. Affected: yes.
Comment: The missense c.1442T>C (p.Phe481Ser) variant in the LMBRD2 gene has not been reported previously as a pathogenic variant nor as a benign variant, to our knowledge. The variant is novel (not in any individuals) in gnomAD Exomes and 1000 Genomes. The amino acid Phenylalanine at position 481 is changed to a Serine changing protein sequence and it might alter its composition and physico-chemical properties. The variant is predicted as damaging by SIFT. The amino acid change p.Phe481Ser in LMBRD2 is predicted as conserved by GERP++ and PhyloP across 100 vertebrates. For these reasons, this variant has been classified as Uncertain Significance.